The following is an entry in ClinVar:

NM_001354604.2(MITF):c.1196C>T (p.Ala399Val)

Gene: MITF (melanocyte inducing transcription factor; plus strand). Cytogenetic location: 3p13.
Variant type: single nucleotide variant.
Coding change: c.1196C>T on transcript NM_001354604.2 (MANE Select); coding-DNA position 1196, C replaced by T.
Protein change: p.Ala399Val; replaces alanine 399 with valine.
Molecular consequence: missense variant.
Genome position (GRCh38, 1-based): chr3:69,964,863, C>T. VCF-style: chr3-69964863-C-T. GRCh37 (hg19) VCF-style: chr3-70014014-C-T.
Other names: c.875C>T, p.Ala292Val (NM_000248.4); c.1022C>T, p.Ala341Val (NM_001184967.2, NM_001354608.2); c.1193C>T, p.Ala398Val (NM_001354605.2); c.1175C>T, p.Ala392Val (NM_001354606.2, NM_006722.3); c.1127C>T, p.Ala376Val (NM_001354607.2); c.857C>T, p.Ala286Val (NM_198158.3); c.1178C>T, p.Ala393Val (NM_198159.3); c.1130C>T, p.Ala377Val (NM_198177.3); and 1 more; short protein forms A230V, A376V, A392V, A399V, A292V, A398V, A286V, A341V.
Identifiers: ClinVar variation 2099416 (VCV002099416.4), dbSNP rs769972649, ClinGen allele CA2490622.

ClinVar aggregate classification (germline): Uncertain significance (1 of 4 stars; one submission).

Conditions:
Tietz syndrome (TADS). Also called: TIETZ ALBINISM-DEAFNESS SYNDROME; ALBINISM-DEAFNESS OF TIETZ; HYPOPIGMENTATION/DEAFNESS OF TIETZ. Identifiers: Orphanet 42665, MedGen C0391816, MONDO:0007077, OMIM 103500.
Waardenburg syndrome type 2A (WS2A). Also called: WAARDENBURG SYNDROME WITHOUT DYSTOPIA CANTHORUM. Identifiers: Orphanet 3440, MedGen C1860339, MONDO:0008671, OMIM 193510.
Melanoma, cutaneous malignant, susceptibility to, 8. Also called: MELANOMA AND RENAL CELL CARCINOMA, SUSCEPTIBILITY TO; Cutaneous malignant melanoma 8. Identifiers: Orphanet 293822, MedGen C3152204, MONDO:0013759, OMIM 614456.

Allele frequency attached by ClinVar (database versions not stated): gnomAD exomes below 0.00001; ExAC 0.00001; TOPMed 0.00002.
gnomAD v4.1: 3 of 1,614,050 alleles (0.00019%); highest among the groups gnomAD compares: East Asian, 0.0045%; no homozygotes.

Submission:

Labcorp Genetics (formerly Invitae), Labcorp
Classification: Uncertain significance for Melanoma, cutaneous malignant, susceptibility to, 8; Waardenburg syndrome type 2A; Tietz syndrome. Last evaluated: 2025-02-21. Review status: criteria provided, single submitter. Criteria: Invitae Variant Classification Sherloc (09022015). Collection method: clinical testing. Allele origin: germline.
Comment: This sequence change replaces alanine, which is neutral and non-polar, with valine, which is neutral and non-polar, at codon 292 of the MITF protein (p.Ala292Val). This variant is present in population databases (rs769972649, gnomAD 0.01%). This variant has not been reported in the literature in individuals affected with MITF-related conditions. ClinVar contains an entry for this variant (Variation ID: 2099416). Invitae Evidence Modeling of protein sequence and biophysical properties (such as structural, functional, and spatial information, amino acid conservation, physicochemical variation, residue mobility, and thermodynamic stability) indicates that this missense variant is expected to disrupt MITF protein function with a positive predictive value of 80%. In summary, the available evidence is currently insufficient to determine the role of this variant in disease. Therefore, it has been classified as a Variant of Uncertain Significance.